The following is an entry in ClinVar:

ClinVar aggregate classification (germline): Uncertain significance. Review status: criteria provided, multiple submitters, no conflicts (2 of 4 stars). 2 submissions from 2 submitters: Uncertain significance (2). Last evaluated 2022-06-27.

Conditions:
Beckwith-Wiedemann syndrome (BWS). Also called: Exomphalos macroglossia gigantism syndrome; EMG SYNDROME. Identifiers: Orphanet 116, MedGen C0004903, MONDO:0007534, OMIM 130650.

Submissions (2):

Labcorp Genetics (formerly Invitae), Labcorp
Classification: Uncertain significance for Beckwith-Wiedemann syndrome. Last evaluated: 2022-06-27. Review status: criteria provided, single submitter. Criteria: Invitae Variant Classification Sherloc (09022015). Collection method: clinical testing. Allele origin: germline.
Comment: This variant has not been reported in the literature in individuals affected with CDKN1C-related conditions. Algorithms developed to predict the effect of missense changes on protein structure and function are either unavailable or do not agree on the potential impact of this missense change (SIFT: "Not Available"; PolyPhen-2: "Probably Damaging"; Align-GVGD: "Not Available"). In summary, the available evidence is currently insufficient to determine the role of this variant in disease. Therefore, it has been classified as a Variant of Uncertain Significance. This sequence change replaces glutamic acid, which is acidic and polar, with leucine, which is neutral and non-polar, at codon 41 of the CDKN1C protein (p.Glu41Leu). Information on the frequency of this variant in the gnomAD database is not available, as this variant may be reported differently in the database.

GeneDx
Classification: Uncertain significance. Last evaluated: 2022-01-07. Review status: criteria provided, single submitter. Criteria: GeneDx Variant Classification Process June 2021. Collection method: clinical testing. Allele origin: germline. Affected: yes.
Comment: Not observed at significant frequency in large population cohorts (gnomAD); In silico analysis supports a deleterious effect on protein structure/function; Has not been previously published as pathogenic or benign to our knowledge

NM_001122630.2(CDKN1C):c.88_89delinsTT (p.Glu30Leu)

Gene: CDKN1C (cyclin dependent kinase inhibitor 1C; minus strand). Cytogenetic location: 11p15.4.
Variant type: Indel.
Coding change: c.88_89delinsTT on transcript NM_001122630.2 (MANE Select); coding-DNA positions 88 to 89, GA replaced by TT.
Protein change: p.Glu30Leu; replaces glutamic acid 30 with leucine.
Molecular consequence: missense variant.
Genome position (GRCh38, 1-based): chr11:2,885,368-2,885,369, TC replaced by AA on the plus strand (GA replaced by TT on the coding strand, the reverse complement: CDKN1C is on the minus strand). VCF-style: chr11-2885368-TC-AA. GRCh37 (hg19) VCF-style: chr11-2906598-TC-AA.
Other names: c.121_122delinsTT, p.Glu41Leu (NM_000076.2, NM_001362474.2); c.88_89delinsTT, p.Glu30Leu (NM_001122631.2, NM_001362475.2); short protein forms E30L, E41L.
Identifiers: ClinVar variation 1695773 (VCV001695773.7), dbSNP rs2133786273, ClinGen allele CA2580082693.